The following is an entry in ClinVar:

NM_020909.4(EPB41L5):c.44G>A (p.Arg15His)

Gene: EPB41L5 (erythrocyte membrane protein band 4.1 like 5; plus strand). Cytogenetic location: 2q14.2.
Variant type: single nucleotide variant.
Coding change: c.44G>A on transcript NM_020909.4 (MANE Select); coding-DNA position 44, G replaced by A.
Protein change: p.Arg15His; replaces arginine 15 with histidine.
Molecular consequence: missense variant. On other transcripts: 5 prime UTR variant (1), non-coding transcript variant (2).
Genome position (GRCh38, 1-based): chr2:120,019,128, G>A. VCF-style: chr2-120019128-G-A. GRCh37 (hg19) VCF-style: chr2-120776704-G-A.
Other names: c.44G>A, p.Arg15His (NM_001184937.2, NM_001184938.4, NM_001184939.3 and 1 more transcripts); c.-177G>A (NM_001330307.2); short protein forms R15H.
Identifiers: ClinVar variation 2651311 (VCV002651311.24), dbSNP rs774267991, ClinGen allele CA1849962.
Genomic context (GRCh38, chr2:120,019,128, plus strand): 5'-TTTTTATAGTGACAAAAATGCTGAGTTTCTTCCGTAGAACACTAGGGCGTCGGTCTATGC[G>A]TAAACATGCAGAGAAGGAACGACTCCGAGAAGCACAACGCGCCGCCACACATATTCCTGC-3'
Protein context (NP_065960.2, residues 5-25): FRRTLGRRSM[Arg15His]KHAEKERLRE

ClinVar aggregate classification (germline): Uncertain significance (1 of 4 stars; one submission).

Allele frequency attached by ClinVar (database versions not stated): gnomAD exomes below 0.00001; ExAC 0.00001; gnomAD 0.00001; TOPMed 0.00002.
gnomAD v4.1: 7 of 1,592,856 alleles (0.00044%); highest among the groups gnomAD compares: South Asian, 0.0033%; no homozygotes.

Submission:

CeGaT Center for Human Genetics Tuebingen
Classification: Uncertain significance. Last evaluated: 2022-07-01. Review status: criteria provided, single submitter. Criteria: CeGaT Center For Human Genetics Tuebingen Variant Classification Criteria Version 2. Collection method: clinical testing. Allele origin: germline. Affected: yes. Observed: 1 variant allele.
Comment: EPB41L5: PP3